The following is an entry in ClinVar:

ClinVar aggregate classification (germline): Uncertain significance (1 of 4 stars; one submission).

Allele frequency attached by ClinVar (database versions not stated): gnomAD 0.00001.

Submission:

Labcorp Genetics (formerly Invitae), Labcorp
Classification: Uncertain significance. Last evaluated: 2022-08-09. Review status: criteria provided, single submitter. Criteria: Invitae Variant Classification Sherloc (09022015). Collection method: clinical testing. Allele origin: germline.
Comment: Algorithms developed to predict the effect of missense changes on protein structure and function are either unavailable or do not agree on the potential impact of this missense change (SIFT: "Deleterious"; PolyPhen-2: "Benign"; Align-GVGD: "Class C0"). ClinVar contains an entry for this variant (Variation ID: 1413121). This variant has not been reported in the literature in individuals affected with MYO5B-related conditions. This variant is not present in population databases (gnomAD no frequency). This sequence change replaces methionine, which is neutral and non-polar, with leucine, which is neutral and non-polar, at codon 132 of the MYO5B protein (p.Met132Leu). In summary, the available evidence is currently insufficient to determine the role of this variant in disease. Therefore, it has been classified as a Variant of Uncertain Significance.

NM_001080467.3(MYO5B):c.394A>T (p.Met132Leu)

Gene: MYO5B (myosin VB; minus strand). Cytogenetic location: 18q21.1.
Variant type: single nucleotide variant.
Coding change: c.394A>T on transcript NM_001080467.3 (MANE Select); coding-DNA position 394, A replaced by T.
Protein change: p.Met132Leu; replaces methionine 132 with leucine.
Molecular consequence: missense variant.
Genome position (GRCh38, 1-based): chr18:50,036,911, T>A on the plus strand (A>T on the coding strand, the complement: MYO5B is on the minus strand). VCF-style: chr18-50036911-T-A. GRCh37 (hg19) VCF-style: chr18-47563281-T-A.
Other names: short protein forms M132L.
Identifiers: ClinVar variation 1413121 (VCV001413121.8), dbSNP rs1209784860, ClinGen allele CA402509981.
Genomic context (GRCh38, chr18:50,036,911, plus strand): 5'-TGGCCATCTGCTTGTAGGCTTCTTCTGCCACAGCAAAGATGTGGGGGTCCATGTCTCCCA[T>A]GTTTTGGCCACTGTAGGTATAGATGACATCTTGTCCATAGATTGGCAACTGTTCATAAGG-3'
Protein context (NP_001073936.1, residues 122-142): DVIYTYSGQN[Met132Leu]GDMDPHIFAV